The following is an entry in ClinVar:

ClinVar aggregate classification (germline): Uncertain significance (1 of 4 stars; one submission).

Conditions:
Hereditary cancer-predisposing syndrome. Also called: Hereditary Cancer Syndrome; Tumor predisposition; Hereditary neoplastic syndrome; Neoplastic Syndromes, Hereditary. Identifiers: Orphanet 140162, MedGen C0027672, MeSH D009386, MONDO:0015356.

Submission:

Ambry Genetics
Classification: Uncertain significance for Hereditary cancer-predisposing syndrome. Last evaluated: 2024-05-26. Review status: criteria provided, single submitter. Criteria: Ambry Variant Classification Scheme 2023. Collection method: clinical testing. Allele origin: germline.
Comment: The p.A882D variant (also known as c.2645C>A), located in coding exon 18 of the BRIP1 gene, results from a C to A substitution at nucleotide position 2645. The alanine at codon 882 is replaced by aspartic acid, an amino acid with dissimilar properties. This amino acid position is conserved. In addition, this alteration is predicted to be tolerated by in silico analysis. Based on the available evidence, the clinical significance of this variant remains unclear.

NM_032043.3(BRIP1):c.2645C>A (p.Ala882Asp)

Gene: BRIP1 (BRCA1 interacting DNA helicase 1; minus strand). Cytogenetic location: 17q23.2.
Variant type: single nucleotide variant.
Coding change: c.2645C>A on transcript NM_032043.3 (MANE Select); coding-DNA position 2645, C replaced by A.
Protein change: p.Ala882Asp; replaces alanine 882 with aspartic acid.
Molecular consequence: missense variant.
Genome position (GRCh38, 1-based): chr17:61,686,096, G>T on the plus strand (C>A on the coding strand, the complement: BRIP1 is on the minus strand). VCF-style: chr17-61686096-G-T. GRCh37 (hg19) VCF-style: chr17-59763457-G-T.
Other names: short protein forms A882D.
Identifiers: ClinVar variation 3261825 (VCV003261825.1).